The following is an entry in ClinVar:

ClinVar aggregate classification (germline): Uncertain significance (1 of 4 stars; one submission).

Conditions:
Drash syndrome (DDS). Also called: WILMS TUMOR AND PSEUDO- OR TRUE HERMAPHRODITISM; NEPHROPATHY, WILMS TUMOR, AND GENITAL ANOMALIES. Identifiers: Orphanet 220, MedGen C0950121, MONDO:0008682, OMIM 194080.
Frasier syndrome. Identifiers: Orphanet 347, MedGen C0950122, MeSH D052159, MONDO:0007635, OMIM 136680.
Wilms tumor 1 (WT1). Also called: Wilms tumor, somatic. Identifiers: Orphanet 654, MedGen CN033288, MONDO:0008679, OMIM 194070.
11p partial monosomy syndrome (WAGR). Also called: CHROMOSOME 11p13 DELETION SYNDROME; WAGR Complex; WAGR syndrome; WAGR Spectrum Disorder. Identifiers: Orphanet 893, MedGen C0206115, MONDO:0008681, OMIM 194072.

Submission:

Labcorp Genetics (formerly Invitae), Labcorp
Classification: Uncertain significance for Wilms tumor 1; Drash syndrome; 11p partial monosomy syndrome; Frasier syndrome. Last evaluated: 2021-09-28. Review status: criteria provided, single submitter. Criteria: Invitae Variant Classification Sherloc (09022015). Collection method: clinical testing. Allele origin: germline.
Comment: In summary, the available evidence is currently insufficient to determine the role of this variant in disease. Therefore, it has been classified as a Variant of Uncertain Significance. Algorithms developed to predict the effect of missense changes on protein structure and function are either unavailable or do not agree on the potential impact of this missense change (SIFT: "Deleterious"; PolyPhen-2: "Probably Damaging"; Align-GVGD: "Class C0"). This variant has not been reported in the literature in individuals affected with WT1-related conditions. This variant is not present in population databases (ExAC no frequency). This sequence change replaces aspartic acid with glutamic acid at codon 292 of the WT1 protein (p.Asp292Glu). The aspartic acid residue is highly conserved and there is a small physicochemical difference between aspartic acid and glutamic acid.

NM_024426.6(WT1):c.891C>A (p.Asp297Glu)

Gene: WT1 (WT1 transcription factor; minus strand). Cytogenetic location: 11p13.
Variant type: single nucleotide variant.
Coding change: c.891C>A on transcript NM_024426.6 (MANE Select); coding-DNA position 891, C replaced by A.
Protein change: p.Asp297Glu; replaces aspartic acid 297 with glutamic acid.
Molecular consequence: missense variant. On other transcripts: non-coding transcript variant (1).
Genome position (GRCh38, 1-based): chr11:32,417,651, G>T on the plus strand (C>A on the coding strand, the complement: WT1 is on the minus strand). VCF-style: chr11-32417651-G-T. GRCh37 (hg19) VCF-style: chr11-32439197-G-T.
Other names: c.891C>A, p.Asp297Glu (NM_000378.6, NM_001407044.1, NM_001407045.1 and 4 more transcripts); c.240C>A, p.Asp80Glu (NM_001198551.2, NM_001198552.2); c.768C>A, p.Asp256Glu (NM_001407047.1, NM_001407050.1); c.129C>A, p.Asp43Glu (NM_001407051.1); c.876C>A, p.Asp292Glu (NM_024425.2); short protein forms D297E, D80E, D256E, D292E, D43E.
Identifiers: ClinVar variation 1364262 (VCV001364262.7), dbSNP rs2133037806, ClinGen allele CA379962220.